The following is an entry in ClinVar:

NM_145886.4(PIDD1):c.2042-2A>G

Gene: PIDD1 (p53-induced death domain protein 1; minus strand). Cytogenetic location: 11p15.5.
Variant type: single nucleotide variant.
Coding change: c.2042-2A>G on transcript NM_145886.4 (MANE Select); the canonical splice acceptor site of the intron before coding-DNA position 2042, A replaced by G.
Molecular consequence: splice acceptor variant.
Genome position (GRCh38, 1-based): chr11:800,453, T>C on the plus strand (A>G on the coding strand, the complement: PIDD1 is on the minus strand). VCF-style: chr11-800453-T-C. GRCh37 (hg19) VCF-style: chr11-800453-T-C.
Other names: c.2042-2A>G (NM_145887.4, NM_145886.3).
Identifiers: ClinVar variation 1333713 (VCV001333713.19), dbSNP rs199752248, ClinGen allele CA5789738.

ClinVar aggregate classification (germline): Conflicting classifications of pathogenicity. Review status: criteria provided, conflicting classifications (1 of 4 stars). 12 submissions from 12 submitters: Pathogenic (1); Likely pathogenic (8); Uncertain significance (3). Last evaluated 2026-09-08.

Conditions:
Inborn genetic diseases. Identifiers: MedGen C0950123, MeSH D030342.
PIDD1-associated neurodevelopmental disorder.
Intellectual developmental disorder, autosomal recessive 75, with neuropsychiatric features and variant lissencephaly (MRT75). Identifiers: MedGen C5676961, MONDO:0030785, OMIM 619827.
PIDD1-related disorder. Also called: PIDD1-related condition.

Allele frequency attached by ClinVar (database versions not stated): gnomAD exomes 0.00008 and 0.00009; gnomAD 0.00009 and 0.00010; ExAC 0.00016.
gnomAD v4.1: 128 of 1,450,070 alleles (0.0088%); highest among the groups gnomAD compares: South Asian, 0.022%; no homozygotes.

Submissions (15):

PreventionGenetics, part of Exact Sciences
Classification: Likely pathogenic for PIDD1-related condition. Last evaluated: 2026-09-08. Review status: criteria provided, single submitter. Criteria: ACMG Guidelines, 2015. Collection method: clinical testing. Allele origin: germline.
Comment: The PIDD1 c.2042-2A>G variant is predicted to disrupt the AG splice acceptor site and interfere with normal splicing. This variant has been reported in a cohort study of individuals undergoing exome sequencing for suspected rare genetic disorders; however, no detailed clinical information was provided (Table S3, Han et al. 2025. PubMed ID: 39843441). This variant is reported in 0.029% of alleles in individuals of South Asian descent in gnomAD. Variants that disrupt the consensus splice acceptor site in PIDD1 are expected to be pathogenic. This variant is interpreted as likely pathogenic.

Dasa
Classification: Uncertain significance for Intellectual developmental disorder, autosomal recessive 75, with neuropsychiatric features and variant lissencephaly. Last evaluated: 2026-01-03. Review status: criteria provided, single submitter. Criteria: DASA Assertion Criteria. Collection method: clinical testing. Allele origin: germline.
Comment: NM_145886.4(PIDD1):c.2042-2A>G affects a canonical splice site and is predicted to disrupt normal RNA splicing. This variant has been observed in affected individuals with PIDD1-related disorders. Also, this variant is rare in population databases. The currently available literature and clinical evidence are not sufficient to establish a definitive association between this variant and the reported condition. Therefore, this variant is classified as a variant of uncertain significance.

Blueprint Genetics
Classification: Likely pathogenic for PIDD1-related disorders. Last evaluated: 2024-11-13. Review status: criteria provided, single submitter. Criteria: ACMG Guidelines, 2015. Collection method: clinical testing. Allele origin: germline. Affected: yes. Observed: 5 variant alleles.

3billion
Classification: Pathogenic for Intellectual developmental disorder, autosomal recessive 75, with neuropsychiatric features and variant lissencephaly. Last evaluated: 2024-06-18. Review status: criteria provided, single submitter. Criteria: ACMG Guidelines, 2015. Collection method: clinical testing. Allele origin: germline. Affected: yes.
Comment: The variant is observed at an extremely low frequency in the gnomAD v4.0.0 dataset (total allele frequency: 0.009%). Predicted Consequence/Location: Canonical splice site: predicted to alter splicing and result in a loss or disruption of normal protein function. Multiple pathogenic loss-of-function variants are reported downstream of the variant. In silico tools predict the variant to alter splicing and produce an abnormal transcript [SpliceAI: 0.99 (spliceogenicity >=0.2, non-spliceogenicity <0.1)]. The variant has been reported at least twice as pathogenic without evidence for the classification (ClinVar ID: VCV001333713 /3billion dataset). Therefore, this variant is classified as Pathogenic according to the recommendation of ACMG/AMP guideline.

Ambry Genetics
Classification: Likely pathogenic for Inborn genetic diseases. Last evaluated: 2024-04-09. Review status: criteria provided, single submitter. Criteria: Ambry Variant Classification Scheme 2023. Collection method: clinical testing. Allele origin: germline.
Comment: The c.2042-2A>G intronic alteration consists of an A to G substitution two nucleotides before exon 13 (coding exon 12) of the PIDD1 gene. Alterations that disrupt the canonical splice site are expected to cause aberrant splicing, resulting in an abnormal protein or a transcript that is subject to nonsense-mediated mRNA decay. Based on data from gnomAD, the G allele has an overall frequency of 0.009% (22/254216) total alleles studied. The highest observed frequency was 0.029% (8/27218) of South Asian alleles. This nucleotide position is highly conserved in available vertebrate species. In silico splice site analysis predicts that this alteration will weaken the native splice acceptor site. Based on the available evidence, this alteration is classified as likely pathogenic.

Genomic Medicine Center of Excellence, King Faisal Specialist Hospital and Research Centre
Classification: Likely pathogenic for Intellectual developmental disorder, autosomal recessive 75, with neuropsychiatric features and variant lissencephaly. Last evaluated: 2024-03-26. Review status: criteria provided, single submitter. Criteria: ACMG Guidelines, 2015. Collection method: clinical testing. Allele origin: germline.

Neuberg Centre For Genomic Medicine, NCGM
Classification: Likely pathogenic for Intellectual developmental disorder, autosomal recessive 75, with neuropsychiatric features and variant lissencephaly. Last evaluated: 2023-06-02. Review status: criteria provided, single submitter. Criteria: ACMG Guidelines, 2015. Collection method: clinical testing. Allele origin: germline. Inheritance: Autosomal recessive inheritance. Affected: yes.
Comment: The observed invariant splice acceptor c.2042-2A>G variant in PIDD1 has been reported in individuals affected with PIDD1-related disorders (Teerlink CC, et. al., 2022). The c.2042-2A>G variant is reported with an allele frequency of 0.008% in the gnomAD Exomes. This variant has been submitted to the ClinVar database as Uncertain Significance / Likely Pathogenic. SpliceAI precits this variant to cause splice acceptor Loss (0.99). Loss of function variants have been previously reported to be disease causing. However, additional functional studies are required to prove the pathogenicity of the variant. For these reasons, this variant has been classified as Likely Pathogenic.

Department of Pathology and Laboratory Medicine, Sinai Health System
Classification: Uncertain significance for Intellectual developmental disorder, autosomal recessive 75, with neuropsychiatric features and variant lissencephaly. Last evaluated: 2023-02-06. Review status: criteria provided, single submitter. Criteria: ACMG Guidelines, 2015. Collection method: research. Allele origin: germline.

Labcorp Genetics (formerly Invitae), Labcorp
Classification: Likely pathogenic. Last evaluated: 2022-07-18. Review status: criteria provided, single submitter. Criteria: Invitae Variant Classification Sherloc (09022015). Collection method: clinical testing. Allele origin: germline.
Comment: This sequence change affects an acceptor splice site in intron 12 of the PIDD1 gene. It is expected to disrupt RNA splicing. Variants that disrupt the donor or acceptor splice site typically lead to a loss of protein function (PMID: 16199547), and loss-of-function variants in PIDD1 are known to be pathogenic (PMID: 28397838, 29302074, 34163010). The frequency data for this variant in the population databases is considered unreliable, as metrics indicate poor data quality at this position in the gnomAD database. This variant has not been reported in the literature in individuals affected with PIDD1-related conditions. ClinVar contains an entry for this variant (Variation ID: 1333713). Algorithms developed to predict the effect of sequence changes on RNA splicing suggest that this variant may disrupt the consensus splice site. In summary, the currently available evidence indicates that the variant is pathogenic, but additional data are needed to prove that conclusively. Therefore, this variant has been classified as Likely Pathogenic.

New York Genome Center
Classification: Uncertain significance for PIDD1-associated neurodevelopmental disorder. Last evaluated: 2021-08-06. Review status: criteria provided, single submitter. Criteria: NYGC Assertion Criteria 2020. Collection method: clinical testing. Allele origin: inherited. Observed: 1 compound heterozygote. Study: CSER-NYCKidSeq.

Juno Genomics, Hangzhou Juno Genomics, Inc
Classification: Likely pathogenic for Intellectual developmental disorder, autosomal recessive 75, with neuropsychiatric features and variant lissencephaly. Review status: criteria provided, single submitter. Criteria: ACMG Guidelines, 2015. Collection method: clinical testing. Allele origin: germline.
Comment: Null variant in a gene where loss of function (LOF) is a known mechanism of disease.;Absent from controls (or at extremely low frequency if recessive) in Genome Aggregation Database.

Kasturba Medical College, Manipal, Kasturba Medical College, Manipal, Manipal Academy of Higher Education, Manipal, India
Classification: Likely pathogenic for Intellectual developmental disorder, autosomal recessive 75, with neuropsychiatric features and variant lissencephaly. Review status: criteria provided, single submitter. Criteria: ACMG Guidelines, 2015. Collection method: research. Allele origin: paternal. Inheritance: Autosomal recessive inheritance. Affected: yes. Observed: 1 heterozygote.
Comment: This variant was observed in heterozygous state in two individuals in our in-house data of 3536 exomes and absent in the gnomAD database (v4.1.0). This variant was absent in homozygous state in gnomAD and in-house database. This canonical splicing variant is predicted to cause aberrant splicing which may lead to either the formation of a truncated protein product or cause the transcript to undergo nonsense mediated mRNA decay. This variant has been reported in ClinVar (ID: VCV001333713.9) by four submitters as likely pathogenic and one submitter as variant of uncertain significance.

Dr. Peter K. Rogan Lab, Western University
No classification provided (evidence only). Condition: Clear cell carcinoma of kidney. Review status: no classification provided. Collection method: in vitro. Allele origin: not applicable. Functional consequence: retained intron. Not counted in ClinVar's aggregate classification.

Dr. Peter K. Rogan Lab, Western University
No classification provided (evidence only). Condition: Familial cancer of breast. Review status: no classification provided. Collection method: in vitro. Allele origin: not applicable. Functional consequence: retained intron. Not counted in ClinVar's aggregate classification.

Dr. Peter K. Rogan Lab, Western University
No classification provided (evidence only). Condition: Gastric cancer. Review status: no classification provided. Collection method: in vitro. Allele origin: not applicable. Functional consequence: retained intron. Not counted in ClinVar's aggregate classification.

Literature cited by the submitters: PubMed 16199547 (cited by Labcorp Genetics (formerly Invitae), Labcorp); PubMed 28397838 (cited by Labcorp Genetics (formerly Invitae), Labcorp); PubMed 29302074 (cited by Labcorp Genetics (formerly Invitae), Labcorp); PubMed 34163010 (cited by Labcorp Genetics (formerly Invitae), Labcorp).